The following is an entry in ClinVar:

NM_001079802.2(FKTN):c.258C>T (p.Asn86=)

Gene: FKTN (fukutin; plus strand). Cytogenetic location: 9q31.2.
Variant type: single nucleotide variant.
Coding change: c.258C>T on transcript NM_001079802.2 (MANE Select); coding-DNA position 258, C replaced by T.
Protein change: p.Asn86=; no amino-acid change (asparagine 86 retained).
Molecular consequence: synonymous variant. On other transcripts: 5 prime UTR variant (4), non-coding transcript variant (2).
Genome position (GRCh38, 1-based): chr9:105,601,237, C>T. VCF-style: chr9-105601237-C-T. GRCh37 (hg19) VCF-style: chr9-108363518-C-T.
Other names: c.258C>T, p.Asn86= (NM_001198963.2, NM_001351496.2, NM_001351498.2 and 1 more transcripts); c.189C>T, p.Asn63= (NM_001351497.2); c.-257C>T (NM_001351499.2, NM_001351500.2, NM_001351501.2 and 1 more transcripts).
Identifiers: ClinVar variation 528832 (VCV000528832.33), dbSNP rs1554751233, ClinGen allele CA466509596.
Genomic context (GRCh38, chr9:105,601,237, plus strand): 5'-CAACCAAAATGTACCAGTGTTTCTTATTGATCCTTTGATACTGGAATTGATTAATAAGAA[C>T]TTTGAACAAGTCAAAAATACTTCTCATGGCTCTACTTCACAATGCAAGTTTTTCTGTGTT-3'
Protein context (NP_001073270.1, residues 76-96): DPLILELINK[Asn86=]FEQVKNTSHG

ClinVar aggregate classification (germline): Likely benign. Review status: criteria provided, multiple submitters, no conflicts (2 of 4 stars). 2 submissions from 2 submitters: Likely benign (2). Last evaluated 2025-10-22.

Conditions:
Walker-Warburg congenital muscular dystrophy. Also called: Muscular dystrophy-dystroglycanopathy, type A; Walker-Warburg syndrome. Identifiers: Orphanet 899, MedGen C0265221, MONDO:0000171.

Allele frequency attached by ClinVar (database versions not stated): gnomAD exomes below 0.00001.
gnomAD v4.1: 5 of 1,611,136 alleles (0.00031%); highest among the groups gnomAD compares: Non-Finnish European, 0.00042%; no homozygotes.

Submissions (2):

Labcorp Genetics (formerly Invitae), Labcorp
Classification: Likely benign for Walker-Warburg congenital muscular dystrophy. Last evaluated: 2025-10-22. Review status: criteria provided, single submitter. Criteria: Invitae Variant Classification Sherloc (09022015). Collection method: clinical testing. Allele origin: germline.

CeGaT Center for Human Genetics Tuebingen
Classification: Likely benign. Last evaluated: 2023-07-01. Review status: criteria provided, single submitter. Criteria: CeGaT Center For Human Genetics Tuebingen Variant Classification Criteria Version 2. Collection method: clinical testing. Allele origin: germline. Affected: yes. Observed: 1 variant allele.
Comment: FKTN: PM2:Supporting, BP4, BP7